The following is an entry in ClinVar:

ClinVar aggregate classification (germline): Likely benign (0 of 4 stars; one submission).

Conditions:
TDRD9-related disorder. Also called: TDRD9-related condition.

Allele frequency attached by ClinVar (database versions not stated): ExAC 0.00004; gnomAD 0.00005; gnomAD exomes 0.00008.
gnomAD v4.1: 112 of 1,518,838 alleles (0.0074%); highest among the groups gnomAD compares: Admixed American, 0.044%; no homozygotes.

Submission:

PreventionGenetics, part of Exact Sciences
Classification: Likely benign for TDRD9-related condition. Last evaluated: 2019-04-10. Review status: no assertion criteria provided. Collection method: clinical testing. Allele origin: germline.
Comment: This variant is classified as likely benign based on ACMG/AMP sequence variant interpretation guidelines (Richards et al. 2015 PMID: 25741868, with internal and published modifications).

NM_153046.3(TDRD9):c.3975-7A>T

Gene: TDRD9 (tudor domain containing 9; plus strand). Cytogenetic location: 14q32.33.
Variant type: single nucleotide variant.
Coding change: c.3975-7A>T on transcript NM_153046.3 (MANE Select); 7 bases into the intron before coding-DNA position 3975, A replaced by T.
Molecular consequence: intron variant.
Genome position (GRCh38, 1-based): chr14:104,049,601, A>T. VCF-style: chr14-104049601-A-T. GRCh37 (hg19) VCF-style: chr14-104515938-A-T.
Identifiers: ClinVar variation 3057823 (VCV003057823.2), dbSNP rs761150130, ClinGen allele CA7369203.